The following is an entry in ClinVar:

ClinVar aggregate classification (germline): Uncertain significance (1 of 4 stars; one submission).

Conditions:
Spastic paraplegia. Identifiers: MedGen C0037772, HP:0001258.

Allele frequency attached by ClinVar (database versions not stated): gnomAD exomes below 0.00001 and 0.00001.

Submission:

Labcorp Genetics (formerly Invitae), Labcorp
Classification: Uncertain significance for Spastic paraplegia. Last evaluated: 2022-02-08. Review status: criteria provided, single submitter. Criteria: Invitae Variant Classification Sherloc (09022015). Collection method: clinical testing. Allele origin: germline.
Comment: Advanced modeling of protein sequence and biophysical properties (such as structural, functional, and spatial information, amino acid conservation, physicochemical variation, residue mobility, and thermodynamic stability) performed at Invitae indicates that this missense variant is not expected to disrupt CYP2U1 protein function. In summary, the available evidence is currently insufficient to determine the role of this variant in disease. Therefore, it has been classified as a Variant of Uncertain Significance. This variant has not been reported in the literature in individuals affected with CYP2U1-related conditions. The frequency data for this variant in the population databases is considered unreliable, as metrics indicate poor data quality at this position in the gnomAD database. This sequence change replaces leucine, which is neutral and non-polar, with proline, which is neutral and non-polar, at codon 106 of the CYP2U1 protein (p.Leu106Pro).

NM_183075.3(CYP2U1):c.317T>C (p.Leu106Pro)

Genes: CYP2U1 (cytochrome P450 family 2 subfamily U member 1; plus strand), CYP2U1-AS1 (CYP2U1 and SGMS2 antisense RNA 1; minus strand). Cytogenetic location: 4q25.
Variant type: single nucleotide variant.
Coding change: c.317T>C on transcript NM_183075.3 (MANE Select); coding-DNA position 317, T replaced by C.
Protein change: p.Leu106Pro; replaces leucine 106 with proline.
Molecular consequence: missense variant.
Genome position (GRCh38, 1-based): chr4:107,931,960, T>C. VCF-style: chr4-107931960-T-C. GRCh37 (hg19) VCF-style: chr4-108853116-T-C.
Other names: short protein forms L106P.
Identifiers: ClinVar variation 1442452 (VCV001442452.7), dbSNP rs1182340707, ClinGen allele CA357832481.